The following is an entry in ClinVar:

NM_001365276.2(TNXB):c.9651C>T (p.Ser3217=)

Gene: TNXB (tenascin XB; minus strand). Cytogenetic location: 6p21.33.
Variant type: single nucleotide variant.
Coding change: c.9651C>T on transcript NM_001365276.2 (MANE Select); coding-DNA position 9651, C replaced by T.
Protein change: p.Ser3217=; no amino-acid change (serine 3217 retained).
Molecular consequence: synonymous variant.
Genome position (GRCh38, 1-based): chr6:32,049,376, G>A on the plus strand (C>T on the coding strand, the complement: TNXB is on the minus strand). VCF-style: chr6-32049376-G-A. GRCh37 (hg19) VCF-style: chr6-32017153-G-A.
Other names: c.10392C>T, p.Ser3464= (NM_001428335.1); c.9645C>T, p.Ser3215= (NM_019105.8).
Identifiers: ClinVar variation 3971995 (VCV003971995.2).

ClinVar aggregate classification (germline): Conflicting classifications of pathogenicity. Review status: criteria provided, conflicting classifications (1 of 4 stars). 2 submissions from 2 submitters: Uncertain significance (1); Likely benign (1). Last evaluated 2025-10-30.

Conditions:
Cardiovascular phenotype. Identifiers: MedGen CN230736.

Submissions (2):

Women's Health and Genetics/Laboratory Corporation of America, LabCorp
Classification: Uncertain significance. Last evaluated: 2025-10-30. Review status: criteria provided, single submitter. Criteria: LabCorp Variant Classification Summary - May 2015. Collection method: clinical testing. Allele origin: germline.
Comment: Variant summary: TNXB c.9645C>T results in a synonymous change. Several computational tools predict a significant impact on normal splicing: Two predict the variant creates a cryptic 5' donor site. However, these predictions have yet to be confirmed by functional studies. The variant allele was found at a frequency of 2e-05 in 247054 control chromosomes. The available data on variant occurrences in the general population are insufficient to allow any conclusion about variant significance. To our knowledge, no occurrence of c.9645C>T in individuals affected with TNXB-related conditions and no experimental evidence demonstrating its impact on protein function have been reported. No submitters have cited clinical-significance assessments for this variant to ClinVar. Based on the evidence outlined above, the variant was classified as uncertain significance.

Ambry Genetics
Classification: Likely benign for Cardiovascular phenotype. Last evaluated: 2025-04-12. Review status: criteria provided, single submitter. Criteria: Ambry Variant Classification Scheme 2023. Collection method: clinical testing. Allele origin: germline.